The following is an entry in ClinVar:

ClinVar aggregate classification (germline): Uncertain significance (1 of 4 stars; one submission).

gnomAD v4.1: 6 of 1,593,250 alleles (0.00038%); highest among the groups gnomAD compares: Non-Finnish European, 0.00051%; no homozygotes.

Submission:

Ambry Genetics
Classification: Uncertain significance. Last evaluated: 2025-11-17. Review status: criteria provided, single submitter. Criteria: Ambry Variant Classification Scheme 2023. Collection method: clinical testing. Allele origin: germline.
Comment: The p.P351S variant (also known as c.1051C>T), located in coding exon 9 of the GEN1 gene, results from a C to T substitution at nucleotide position 1051. The proline at codon 351 is replaced by serine, an amino acid with similar properties. This amino acid position is conserved. In addition, the in silico prediction for this alteration is inconclusive. Based on the available evidence, the clinical significance of this variant remains unclear.

NM_001130009.3(GEN1):c.1051C>T (p.Pro351Ser)

Gene: GEN1 (GEN1 structure-specific endonuclease; plus strand). Cytogenetic location: 2p24.2.
Variant type: single nucleotide variant.
Coding change: c.1051C>T on transcript NM_001130009.3 (MANE Select); coding-DNA position 1051, C replaced by T.
Protein change: p.Pro351Ser; replaces proline 351 with serine.
Molecular consequence: missense variant.
Genome position (GRCh38, 1-based): chr2:17,773,279, C>T. VCF-style: chr2-17773279-C-T. GRCh37 (hg19) VCF-style: chr2-17954546-C-T.
Other names: c.1051C>T, p.Pro351Ser (NM_182625.5); short protein forms P351S.
Identifiers: ClinVar variation 4671505 (VCV004671505.1).
Genomic context (GRCh38, chr2:17,773,279, plus strand): 5'-GTTATTCAAGAATTCCTTTTAAACAAGGATAAATTGGTGAAGGTTATCAGGTACCAAAGA[C>T]CTGATTTGTTATTGTTTCAGGTATCTGAAAATAAATTCTTCTTTACTGTATGAAGTTATA-3'
Protein context (NP_001123481.3, residues 341-361): KLVKVIRYQR[Pro351Ser]DLLLFQRFTL